The following is an entry in ClinVar:

NM_017636.4(TRPM4):c.2009A>C (p.Asp670Ala)

Gene: TRPM4 (transient receptor potential cation channel subfamily M member 4; plus strand). Cytogenetic location: 19q13.33.
Variant type: single nucleotide variant.
Coding change: c.2009A>C on transcript NM_017636.4 (MANE Select); coding-DNA position 2009, A replaced by C.
Protein change: p.Asp670Ala; replaces aspartic acid 670 with alanine.
Molecular consequence: missense variant.
Genome position (GRCh38, 1-based): chr19:49,189,081, A>C. VCF-style: chr19-49189081-A-C. GRCh37 (hg19) VCF-style: chr19-49692338-A-C.
Other names: c.2009A>C, p.Asp670Ala (NM_001195227.2); c.1664A>C, p.Asp555Ala (NM_001321281.2); c.401A>C, p.Asp134Ala (NM_001321282.2); c.1487A>C, p.Asp496Ala (NM_001321283.2); c.947A>C, p.Asp316Ala (NM_001321285.2); short protein forms D496A, D134A, D316A, D555A, D670A.
Identifiers: ClinVar variation 3651797 (VCV003651797.2).

ClinVar aggregate classification (germline): Uncertain significance (1 of 4 stars; one submission).

Conditions:
Progressive familial heart block type IB (PFHB1B). Identifiers: Orphanet 871, MedGen C1970298, MONDO:0011474, OMIM 604559.

Submission:

Labcorp Genetics (formerly Invitae), Labcorp
Classification: Uncertain significance for Progressive familial heart block type IB. Last evaluated: 2024-05-01. Review status: criteria provided, single submitter. Criteria: Invitae Variant Classification Sherloc (09022015). Collection method: clinical testing. Allele origin: germline.
Comment: This sequence change replaces aspartic acid, which is acidic and polar, with alanine, which is neutral and non-polar, at codon 670 of the TRPM4 protein (p.Asp670Ala). This variant is not present in population databases (gnomAD no frequency). This variant has not been reported in the literature in individuals affected with TRPM4-related conditions. An algorithm developed to predict the effect of missense changes on protein structure and function (PolyPhen-2) suggests that this variant is likely to be disruptive. In summary, the available evidence is currently insufficient to determine the role of this variant in disease. Therefore, it has been classified as a Variant of Uncertain Significance.